The following is an entry in ClinVar:

ClinVar aggregate classification (germline): Likely benign. Review status: criteria provided, multiple submitters, no conflicts (2 of 4 stars). 2 submissions from 2 submitters: Likely benign (2). Last evaluated 2026-01-19.

Conditions:
Glycogen storage disease, type V (GSD5). Also called: McArdle type glycogen storage disease; MCARDLE DISEASE; MUSCLE GLYCOGEN PHOSPHORYLASE DEFICIENCY; MYOPHOSPHORYLASE DEFICIENCY; PYGM DEFICIENCY. Identifiers: Orphanet 368, MedGen C0017924, MONDO:0009293, OMIM 232600.

Allele frequency attached by ClinVar (database versions not stated): ExAC 0.00002; gnomAD 0.00002; TOPMed 0.00002; ESP Exome Variant Server 0.00008.
gnomAD v4.1: 17 of 1,613,820 alleles (0.0011%); highest among the groups gnomAD compares: African/African-American, 0.004%; no homozygotes.

Submissions (2):

Labcorp Genetics (formerly Invitae), Labcorp
Classification: Likely benign for Glycogen storage disease, type V. Last evaluated: 2026-01-19. Review status: criteria provided, single submitter. Criteria: Invitae Variant Classification Sherloc (09022015). Collection method: clinical testing. Allele origin: germline.

GeneDx
Classification: Likely benign. Last evaluated: 2018-05-01. Review status: criteria provided, single submitter. Criteria: GeneDx Variant Classification (06012015). Collection method: clinical testing. Allele origin: germline. Affected: yes.
Comment: This variant is considered likely benign or benign based on one or more of the following criteria: it is a conservative change, it occurs at a poorly conserved position in the protein, it is predicted to be benign by multiple in silico algorithms, and/or has population frequency not consistent with disease.

NM_005609.4(PYGM):c.402C>T (p.Asn134=)

Gene: PYGM (glycogen phosphorylase, muscle associated; minus strand). Cytogenetic location: 11q13.1.
Variant type: single nucleotide variant.
Coding change: c.402C>T on transcript NM_005609.4 (MANE Select); coding-DNA position 402, C replaced by T.
Protein change: p.Asn134=; no amino-acid change (asparagine 134 retained).
Molecular consequence: synonymous variant. On other transcripts: intron variant (1).
Genome position (GRCh38, 1-based): chr11:64,758,459, G>A on the plus strand (C>T on the coding strand, the complement: PYGM is on the minus strand). VCF-style: chr11-64758459-G-A. GRCh37 (hg19) VCF-style: chr11-64525931-G-A.
Other names: c.244-193C>T (NM_001164716.1).
Identifiers: ClinVar variation 682138 (VCV000682138.5), dbSNP rs372262267, ClinGen allele CA6080271.